The following is an entry in ClinVar:

ClinVar aggregate classification (germline): Likely benign. Review status: criteria provided, single submitter (1 of 4 stars). 2 submissions from 2 submitters: Likely benign (1). 1 of the submissions does not count toward it. Last evaluated 2024-07-19.

Conditions:
ROBO4-related disorder. Also called: ROBO4-related condition.

Allele frequency attached by ClinVar (database versions not stated): gnomAD exomes 0.00009; ExAC 0.00031; gnomAD 0.00116; TOPMed 0.00134; ESP Exome Variant Server 0.00146.
gnomAD v4.1: 316 of 1,613,872 alleles (0.02%); highest among the groups gnomAD compares: African/African-American, 0.37%; no homozygotes.

Submissions (2):

Blueprint Genetics
Classification: Likely benign. Last evaluated: 2024-07-19. Review status: criteria provided, single submitter. Criteria: ACMG Guidelines, 2015. Collection method: clinical testing. Allele origin: germline.

PreventionGenetics, part of Exact Sciences
Classification: Likely benign for ROBO4-related condition. Last evaluated: 2019-10-28. Review status: no assertion criteria provided. Collection method: clinical testing. Allele origin: germline. Not counted in ClinVar's aggregate classification.
Comment: This variant is classified as likely benign based on ACMG/AMP sequence variant interpretation guidelines (Richards et al. 2015 PMID: 25741868, with internal and published modifications).

NM_019055.6(ROBO4):c.1998G>A (p.Leu666=)

Gene: ROBO4 (roundabout guidance receptor 4; minus strand). Cytogenetic location: 11q24.2.
Variant type: single nucleotide variant.
Coding change: c.1998G>A on transcript NM_019055.6 (MANE Select); coding-DNA position 1998, G replaced by A.
Protein change: p.Leu666=; no amino-acid change (leucine 666 retained).
Molecular consequence: synonymous variant.
Genome position (GRCh38, 1-based): chr11:124,887,791, C>T on the plus strand (G>A on the coding strand, the complement: ROBO4 is on the minus strand). VCF-style: chr11-124887791-C-T. GRCh37 (hg19) VCF-style: chr11-124757687-C-T.
Other names: c.1563G>A, p.Leu521= (NM_001301088.2).
Identifiers: ClinVar variation 3040276 (VCV003040276.3), dbSNP rs140966335, ClinGen allele CA6344739.